The following is an entry in ClinVar:

NM_031407.7(HUWE1):c.5896G>A (p.Asp1966Asn)

Gene: HUWE1 (HECT, UBA and WWE domain containing E3 ubiquitin protein ligase 1; minus strand). Cytogenetic location: Xp11.22.
Variant type: single nucleotide variant.
Coding change: c.5896G>A on transcript NM_031407.7 (MANE Select); coding-DNA position 5896, G replaced by A.
Protein change: p.Asp1966Asn; replaces aspartic acid 1966 with asparagine.
Molecular consequence: missense variant.
Genome position (GRCh38, 1-based): chrX:53,575,777, C>T on the plus strand (G>A on the coding strand, the complement: HUWE1 is on the minus strand). VCF-style: chrX-53575777-C-T. GRCh37 (hg19) VCF-style: chrX-53602737-C-T.
Other names: c.5893G>A, p.Asp1965Asn (NM_001441048.1, NM_001441051.1, NM_001441053.1 and 2 more transcripts); c.5896G>A, p.Asp1966Asn (NM_001441049.1, NM_001441052.1, NM_001441054.1 and 1 more transcripts); c.5917G>A, p.Asp1973Asn (NM_001441050.1, NM_001441055.1); short protein forms D1965N, D1966N, D1973N.
Identifiers: ClinVar variation 4976243 (VCV004976243.1).

ClinVar aggregate classification (germline): Uncertain significance (1 of 4 stars; one submission).

Submission:

GeneDx
Classification: Uncertain significance. Last evaluated: 2026-02-09. Review status: criteria provided, single submitter. Criteria: GeneDx Variant Classification Process June 2021. Collection method: clinical testing. Allele origin: germline.
Comment: Not observed at significant frequency in large population cohorts (gnomAD); In silico analysis suggests that this missense variant does not alter protein structure/function; Has not been previously published as pathogenic or benign to our knowledge